The following is an entry in ClinVar:

ClinVar aggregate classification (germline): Uncertain significance (1 of 4 stars; one submission).

Allele frequency attached by ClinVar (database versions not stated): gnomAD exomes below 0.00001 and 0.00001; ExAC 0.00001; gnomAD 0.00001; TOPMed 0.00002; ESP Exome Variant Server 0.00008.
gnomAD v4.1: 4 of 1,612,446 alleles (0.00025%); highest among the groups gnomAD compares: African/African-American, 0.0053%; no homozygotes.

Submission:

GeneDx
Classification: Uncertain significance. Last evaluated: 2021-04-29. Review status: criteria provided, single submitter. Criteria: GeneDx Variant Classification Process June 2021. Collection method: clinical testing. Allele origin: germline. Affected: yes.
Comment: Not observed at a significant frequency in large population cohorts (Lek et al., 2016); In silico analysis supports that this missense variant has a deleterious effect on protein structure/function; Has not been previously published as pathogenic or benign to our knowledge

NM_152419.3(HGSNAT):c.332T>C (p.Leu111Pro)

Gene: HGSNAT (heparan-alpha-glucosaminide N-acetyltransferase; plus strand). Cytogenetic location: 8p11.21.
Variant type: single nucleotide variant.
Coding change: c.332T>C on transcript NM_152419.3 (MANE Select); coding-DNA position 332, T replaced by C.
Protein change: p.Leu111Pro; replaces leucine 111 with proline.
Molecular consequence: missense variant. On other transcripts: 5 prime UTR variant (1).
Genome position (GRCh38, 1-based): chr8:43,158,672, T>C. VCF-style: chr8-43158672-T-C. GRCh37 (hg19) VCF-style: chr8-43013815-T-C.
Other names: c.332T>C, p.Leu111Pro (NM_001363227.2, NM_001363228.2); c.-502T>C (NM_001363229.2); short protein forms L111P.
Identifiers: ClinVar variation 1321750 (VCV001321750.2), dbSNP rs371296485, ClinGen allele CA4736484.